The following is an entry in ClinVar:

NM_000082.4(ERCC8):c.1033A>G (p.Asn345Asp)

Gene: ERCC8 (ERCC excision repair 8, CSA ubiquitin ligase complex subunit; minus strand). Cytogenetic location: 5q12.1.
Variant type: single nucleotide variant.
Coding change: c.1033A>G on transcript NM_000082.4 (MANE Select); coding-DNA position 1033, A replaced by G.
Protein change: p.Asn345Asp; replaces asparagine 345 with aspartic acid.
Molecular consequence: missense variant.
Genome position (GRCh38, 1-based): chr5:60,890,897, T>C on the plus strand (A>G on the coding strand, the complement: ERCC8 is on the minus strand). VCF-style: chr5-60890897-T-C. GRCh37 (hg19) VCF-style: chr5-60186724-T-C.
Other names: c.859A>G, p.Asn287Asp (NM_001007233.3); c.574A>G, p.Asn192Asp (NM_001290285.2); short protein forms N345D, N192D, N287D.
Identifiers: ClinVar variation 2189689 (VCV002189689.3), dbSNP rs2531769909, ClinGen allele CA359823024.

ClinVar aggregate classification (germline): Uncertain significance (1 of 4 stars; one submission).

Submission:

Labcorp Genetics (formerly Invitae), Labcorp
Classification: Uncertain significance. Last evaluated: 2024-10-26. Review status: criteria provided, single submitter. Criteria: Invitae Variant Classification Sherloc (09022015). Collection method: clinical testing. Allele origin: germline.
Comment: This sequence change replaces asparagine, which is neutral and polar, with aspartic acid, which is acidic and polar, at codon 345 of the ERCC8 protein (p.Asn345Asp). This variant is not present in population databases (gnomAD no frequency). This variant has not been reported in the literature in individuals affected with ERCC8-related conditions. ClinVar contains an entry for this variant (Variation ID: 2189689). Invitae Evidence Modeling of protein sequence and biophysical properties (such as structural, functional, and spatial information, amino acid conservation, physicochemical variation, residue mobility, and thermodynamic stability) indicates that this missense variant is not expected to disrupt ERCC8 protein function with a negative predictive value of 80%. In summary, the available evidence is currently insufficient to determine the role of this variant in disease. Therefore, it has been classified as a Variant of Uncertain Significance.